The following is an entry in ClinVar:

ClinVar aggregate classification (germline): Uncertain significance. Review status: criteria provided, multiple submitters, no conflicts (2 of 4 stars). 4 submissions from 4 submitters: Uncertain significance (4). Last evaluated 2026-01-12.

Conditions:
Epidermolysis bullosa simplex with nail dystrophy (EBS5D). Identifiers: MedGen C4225309, MONDO:0014661, OMIM 616487.
Epidermolysis bullosa simplex 5B, with muscular dystrophy (EBS5B). Also called: Epidermolysis bullosa simplex with muscular dystrophy; EPIDERMOLYSIS BULLOSA SIMPLEX AND LIMB-GIRDLE MUSCULAR DYSTROPHY. Identifiers: Orphanet 257, MedGen C2931072, MONDO:0009181, OMIM 226670.
Epidermolysis bullosa simplex, Ogna type (EBS5A). Also called: Pidermolysis bullosa simplex 5A, Ogna type; EPIDERMOLYSIS BULLOSA SIMPLEX 5A, OGNA TYPE. Identifiers: Orphanet 79401, MedGen C0432317, MONDO:0007555, OMIM 131950.
Autosomal recessive limb-girdle muscular dystrophy type 2Q (LGMDR17). Also called: MUSCULAR DYSTROPHY, LIMB-GIRDLE, AUTOSOMAL RECESSIVE 17. Identifiers: Orphanet 254361, MedGen C3150989, MONDO:0013390, OMIM 613723.
Epidermolysis bullosa simplex 5C, with pyloric atresia (EBS5C). Also called: PLEC-Related Epidermolysis Bullosa with Pyloric Atresia; Epidermolysis bullosa simplex with pyloric atresia; PLEC1-Related Epidermolysis Bullosa with Pyloric Atresia. Identifiers: Orphanet 158684, MedGen C2677349, MONDO:0012807, OMIM 612138.

Allele frequency attached by ClinVar (database versions not stated): TOPMed 0.00004; ESP Exome Variant Server 0.00008; 1000 Genomes Project 30x 0.00031.

Submissions (4):

Labcorp Genetics (formerly Invitae), Labcorp
Classification: Uncertain significance for Autosomal recessive limb-girdle muscular dystrophy type 2Q; Epidermolysis bullosa simplex, Ogna type; Epidermolysis bullosa simplex with nail dystrophy; Epidermolysis bullosa simplex 5C, with pyloric atresia; Epidermolysis bullosa simplex 5B, with muscular dystrophy. Last evaluated: 2026-01-12. Review status: criteria provided, single submitter. Criteria: Invitae Variant Classification Sherloc (09022015). Collection method: clinical testing. Allele origin: germline.
Comment: This sequence change replaces arginine, which is basic and polar, with glutamine, which is neutral and polar, at codon 3694 of the PLEC protein (p.Arg3694Gln). This variant is present in population databases (rs369798520, gnomAD 0.02%). This variant has not been reported in the literature in individuals affected with PLEC-related conditions. ClinVar contains an entry for this variant (Variation ID: 598067). An algorithm developed to predict the effect of missense changes on protein structure and function (PolyPhen-2) suggests that this variant is likely to be tolerated. In summary, the available evidence is currently insufficient to determine the role of this variant in disease. Therefore, it has been classified as a Variant of Uncertain Significance.

Baylor Genetics
Classification: Uncertain significance for Epidermolysis bullosa simplex with nail dystrophy. Last evaluated: 2020-01-27. Review status: criteria provided, single submitter. Criteria: ACMG Guidelines, 2015. Collection method: clinical testing. Allele origin: unknown. Affected: yes.
Comment: This variant was determined to be of uncertain significance according to ACMG Guidelines, 2015 [PMID:25741868].

Revvity Omics, Revvity
Classification: Uncertain significance. Last evaluated: 2019-06-17. Review status: criteria provided, single submitter. Criteria: ACMG Guidelines, 2015. Collection method: clinical testing. Allele origin: germline.

Eurofins Ntd Llc (ga)
Classification: Uncertain significance. Last evaluated: 2018-07-19. Review status: criteria provided, single submitter. Criteria: EGL ClinVar v180209 classification definitions. Collection method: clinical testing. Allele origin: germline. Observed: 1 variant allele, 1 heterozygote.

NM_201384.3(PLEC):c.11000G>A (p.Arg3667Gln)

Gene: PLEC (plectin; minus strand). Cytogenetic location: 8q24.3.
Variant type: single nucleotide variant.
Coding change: c.11000G>A on transcript NM_201384.3 (MANE Select); coding-DNA position 11000, G replaced by A.
Protein change: p.Arg3667Gln; replaces arginine 3667 with glutamine.
Molecular consequence: missense variant.
Genome position (GRCh38, 1-based): chr8:143,918,821, C>T on the plus strand (G>A on the coding strand, the complement: PLEC is on the minus strand). VCF-style: chr8-143918821-C-T. GRCh37 (hg19) VCF-style: chr8-144992989-C-T.
Other names: c.11081G>A, p.Arg3694Gln (NM_000445.5); c.10958G>A, p.Arg3653Gln (NM_201378.4); c.10934G>A, p.Arg3645Gln (NM_201379.3); c.11411G>A, p.Arg3804Gln (NM_201380.4); c.10904G>A, p.Arg3635Gln (NM_201381.3); c.11000G>A, p.Arg3667Gln (NM_201382.4); c.11012G>A, p.Arg3671Gln (NM_201383.3); short protein forms R3635Q, R3645Q, R3671Q, R3804Q, R3653Q, R3667Q, R3694Q.
Identifiers: ClinVar variation 598067 (VCV000598067.21), dbSNP rs369798520, ClinGen allele CA4924464.